The following is an entry in ClinVar:

ClinVar aggregate classification (germline): Conflicting classifications of pathogenicity. Review status: criteria provided, conflicting classifications (1 of 4 stars). 2 submissions from 2 submitters: Uncertain significance (1); Likely benign (1). Last evaluated 2023-06-16.

Conditions:
Idiopathic Pulmonary Fibrosis. Also called: idiopathic fibrosing alveolitis; Idiopathic fibrosing alveolitis, chronic form. Identifiers: Orphanet 2032, MedGen C1800706, MeSH D054990, MONDO:0800504.
Dyskeratosis congenita, autosomal dominant 2. Identifiers: MedGen C3151443, MONDO:0013521, OMIM 613989.
Dyskeratosis congenita. Identifiers: Orphanet 1775, MedGen C0265965, MONDO:0015780.

Allele frequency attached by ClinVar (database versions not stated): TOPMed below 0.00001.

Submissions (2):

Labcorp Genetics (formerly Invitae), Labcorp
Classification: Uncertain significance for Dyskeratosis congenita, autosomal dominant 2; Idiopathic Pulmonary Fibrosis. Last evaluated: 2023-06-16. Review status: criteria provided, single submitter. Criteria: Invitae Variant Classification Sherloc (09022015). Collection method: clinical testing. Allele origin: germline.
Comment: This variant has not been reported in the literature in individuals affected with TERT-related conditions. In summary, the available evidence is currently insufficient to determine the role of this variant in disease. Therefore, it has been classified as a Variant of Uncertain Significance. Algorithms developed to predict the effect of missense changes on protein structure and function output the following: SIFT: "Not Available"; PolyPhen-2: "Benign"; Align-GVGD: "Not Available". The alanine amino acid residue is found in multiple mammalian species, which suggests that this missense change does not adversely affect protein function. ClinVar contains an entry for this variant (Variation ID: 1062415). This variant is not present in population databases (gnomAD no frequency). This sequence change replaces threonine, which is neutral and polar, with alanine, which is neutral and non-polar, at codon 618 of the TERT protein (p.Thr618Ala).

Ambry Genetics
Classification: Likely benign for Dyskeratosis congenita. Last evaluated: 2022-04-22. Review status: criteria provided, single submitter. Criteria: Ambry Variant Classification Scheme 2023. Collection method: clinical testing. Allele origin: germline.

NM_198253.3(TERT):c.1852A>G (p.Thr618Ala)

Gene: TERT (telomerase reverse transcriptase; minus strand). Cytogenetic location: 5p15.33.
Variant type: single nucleotide variant.
Coding change: c.1852A>G on transcript NM_198253.3 (MANE Select); coding-DNA position 1852, A replaced by G.
Protein change: p.Thr618Ala; replaces threonine 618 with alanine.
Molecular consequence: missense variant. On other transcripts: non-coding transcript variant (2).
Genome position (GRCh38, 1-based): chr5:1,280,256, T>C on the plus strand (A>G on the coding strand, the complement: TERT is on the minus strand). VCF-style: chr5-1280256-T-C. GRCh37 (hg19) VCF-style: chr5-1280371-T-C.
Other names: c.1852A>G, p.Thr618Ala (NM_001193376.3); short protein forms T618A.
Identifiers: ClinVar variation 1062415 (VCV001062415.11), dbSNP rs995777798, ClinGen allele CA112950361.
Genomic context (GRCh38, chr5:1,280,256, plus strand): 5'-AGTCCATGTTCACAATCGGCCGCAGCCCGTCAGGCTTGGGGATGAAGCGGAGTCTGGACG[T>C]CAGCAGGGCGGGCCTGGCTTCCCGATGCTGCCTGACCTCTGCTTCCGACAGCTCCCGCAG-3'
Protein context (NP_937983.2, residues 608-628): QHREARPALL[Thr618Ala]SRLRFIPKPD